The following is an entry in ClinVar:

NM_194454.3(KRIT1):c.845+10C>G

Gene: KRIT1 (KRIT1 ankyrin repeat containing; minus strand). Cytogenetic location: 7q21.2.
Variant type: single nucleotide variant.
Coding change: c.845+10C>G on transcript NM_194454.3 (MANE Select); 10 bases into the intron after coding-DNA position 845, C replaced by G.
Molecular consequence: intron variant.
Genome position (GRCh38, 1-based): chr7:92,234,798, G>C on the plus strand (C>G on the coding strand, the complement: KRIT1 is on the minus strand). VCF-style: chr7-92234798-G-C. GRCh37 (hg19) VCF-style: chr7-91864112-G-C.
Other names: c.845+10C>G (NM_001350672.1, NM_001350676.1, NM_001350673.1 and 29 more transcripts); c.131+10C>G (NM_001350671.1).
Identifiers: ClinVar variation 911389 (VCV000911389.9), dbSNP rs372125478, ClinGen allele CA4339299.

ClinVar aggregate classification (germline): Conflicting classifications of pathogenicity. Review status: criteria provided, conflicting classifications (1 of 4 stars). 4 submissions from 3 submitters: Uncertain significance (1); Likely benign (3). Last evaluated 2024-10-05.

Conditions:
Angiokeratoma corporis diffusum with arteriovenous fistulas. Identifiers: MedGen C1838141, MONDO:0010885, OMIM 600419.
Cerebral cavernous malformation (CCM). Also called: Cavernous Hemangioma of Brain; CAVERNOUS ANGIOMA, FAMILIAL; CAVERNOUS ANGIOMATOUS MALFORMATIONS; CEREBRAL CAPILLARY MALFORMATIONS; Cerebral cavernous malformations; Cerebral cavernous hemangioma (type). Identifiers: Orphanet 221061, MedGen C2919945, MONDO:0000820, OMIM 116860, HP:0033522.

gnomAD v4.1: 38 of 1,490,844 alleles (0.0025%); highest among the groups gnomAD compares: Middle Eastern, 0.034%; no homozygotes.

Submissions (4):

Labcorp Genetics (formerly Invitae), Labcorp
Classification: Likely benign for Cerebral cavernous malformation. Last evaluated: 2024-10-05. Review status: criteria provided, single submitter. Criteria: Invitae Variant Classification Sherloc (09022015). Collection method: clinical testing. Allele origin: germline.

Blueprint Genetics
Classification: Likely benign. Last evaluated: 2024-08-29. Review status: criteria provided, single submitter. Criteria: ACMG Guidelines, 2015. Collection method: clinical testing. Allele origin: germline.

Illumina Laboratory Services, Illumina
Classification: Likely benign for Angiokeratoma corporis diffusum with arteriovenous fistulas. Last evaluated: 2018-01-13. Review status: criteria provided, single submitter. Criteria: ICSL Variant Classification Criteria 13 December 2019. Collection method: clinical testing. Allele origin: germline.
Comment: This variant was observed in the ICSL laboratory as part of a predisposition screen in an ostensibly healthy population. It had not been previously curated by ICSL or reported in the Human Gene Mutation Database (HGMD: prior to June 1st, 2018), and was therefore a candidate for classification through an automated scoring system. Utilizing variant allele frequency, disease prevalence and penetrance estimates, and inheritance mode, an automated score was calculated to assess if this variant is too frequent to cause the disease. Based on the score and internal cut-off values, a variant classified as likely benign is not then subjected to further curation. The score for this variant resulted in a classification of likely benign for this disease.

Illumina Laboratory Services, Illumina
Classification: Uncertain significance for Cerebral cavernous malformation. Last evaluated: 2018-01-13. Review status: criteria provided, single submitter. Criteria: ICSL Variant Classification Criteria 13 December 2019. Collection method: clinical testing. Allele origin: germline.